The following is an entry in ClinVar:

NM_001369.3(DNAH5):c.4819del (p.Gln1607fs)

Genes: DNAH5 (dynein axonemal heavy chain 5; minus strand), LOC126807318 (MED14-independent group 3 enhancer GRCh37_chr5:13858976-13860175; plus strand). Cytogenetic location: 5p15.2.
Variant type: Deletion.
Coding change: c.4819del on transcript NM_001369.3 (MANE Select); coding-DNA position 4819, one base deleted (C; older notation c.4819delC).
Protein change: p.Gln1607fs; shifts the reading frame from glutamine 1607.
Molecular consequence: frameshift variant.
Genome position (GRCh38, 1-based): chr5:13,859,583, G deleted on the plus strand (C on the coding strand, the reverse complement: DNAH5 is on the minus strand); the first of 3 consecutive G bases (chr5:13,859,583-13,859,585); deleting any one gives the same sequence. VCF-style (leftmost placement, unchanged base first): chr5-13859582-TG-T. GRCh37 (hg19) VCF-style: chr5-13859691-TG-T.
Other names: short protein forms Q1607fs.
Identifiers: ClinVar variation 5013197 (VCV005013197.1).

ClinVar aggregate classification (germline): Pathogenic (1 of 4 stars; one submission).

Conditions:
Primary ciliary dyskinesia 3. Identifiers: Orphanet 244, MedGen C1837618, MONDO:0012085, OMIM 608644.

Submission:

Myriad Genetics, Inc.
Classification: Pathogenic for Primary ciliary dyskinesia 3. Last evaluated: 2024-06-18. Review status: criteria provided, single submitter. Criteria: Myriad Autosomal Dominant, Autosomal Recessive and X-Linked Classification Criteria (2023). Collection method: clinical testing. Allele origin: unknown.
Comment: NM_001369.2(DNAH5):c.4819delC(Q1607Rfs*20) is expected to be pathogenic in the context of primary ciliary dyskinesia, DNAH5-related. This variant is predicted to lead to an abnormal or absent protein product due to the creation of a premature termination codon in DNAH5, a gene where loss-of-function variants are known to be pathogenic. Please note: this variant was assessed in the context of healthy population screening.